The following is an entry in ClinVar:

NM_015141.4(GPD1L):c.560A>G (p.Asn187Ser)

Gene: GPD1L (glycerol-3-phosphate dehydrogenase 1 like; plus strand). Cytogenetic location: 3p22.3.
Variant type: single nucleotide variant.
Coding change: c.560A>G on transcript NM_015141.4 (MANE Select); coding-DNA position 560, A replaced by G.
Protein change: p.Asn187Ser; replaces asparagine 187 with serine.
Molecular consequence: missense variant.
Genome position (GRCh38, 1-based): chr3:32,146,676, A>G. VCF-style: chr3-32146676-A-G. GRCh37 (hg19) VCF-style: chr3-32188168-A-G.
Other names: short protein forms N187S.
Identifiers: ClinVar variation 571418 (VCV000571418.12), dbSNP rs951273802, ClinGen allele CA72519852.
Genomic context (GRCh38, chr3:32,146,676, plus strand): 5'-CAACAGGCAGCAAAGTAATGGAGAACGGCCTTCTCTTCAAAGAACTTCTGCAGACTCCAA[A>G]TTTTCGAATTACCGTGGTTGATGATGCAGACACTGTTGAACTCTGTGGTGCGCTTAAGGT-3'
Protein context (NP_055956.1, residues 177-197): LLFKELLQTP[Asn187Ser]FRITVVDDAD

ClinVar aggregate classification (germline): Uncertain significance. Review status: criteria provided, multiple submitters, no conflicts (2 of 4 stars). 4 submissions from 4 submitters: Uncertain significance (4). Last evaluated 2023-12-22.

Conditions:
Cardiovascular phenotype. Identifiers: MedGen CN230736.
Brugada syndrome. Also called: Sudden unexpected nocturnal death syndrome; Sudden unexplained nocturnal death syndrome; Sudden Unexplained Death Syndrome; Sudden Unexplained Nocturnal Death Syndrome (SUNDS). Identifiers: Orphanet 130, MedGen C1142166, MONDO:0015263.
Brugada syndrome 2 (BRGDA2). Identifiers: Orphanet 130, MedGen C2673193, MONDO:0012728, OMIM 611777.

Allele frequency attached by ClinVar (database versions not stated): gnomAD exomes below 0.00001 and 0.00001; TOPMed 0.00001.
gnomAD v4.1: 7 of 1,613,848 alleles (0.00043%); highest among the groups gnomAD compares: Non-Finnish European, 0.00059%; no homozygotes.

Submissions (4):

Ambry Genetics
Classification: Uncertain significance for Cardiovascular phenotype. Last evaluated: 2023-12-22. Review status: criteria provided, single submitter. Criteria: Ambry Variant Classification Scheme 2023. Collection method: clinical testing. Allele origin: germline.
Comment: The p.N187S variant (also known as c.560A>G), located in coding exon 5 of the GPD1L gene, results from an A to G substitution at nucleotide position 560. The asparagine at codon 187 is replaced by serine, an amino acid with highly similar properties. This amino acid position is highly conserved in available vertebrate species. In addition, this alteration is predicted to be tolerated by in silico analysis. Since supporting evidence is limited at this time, the clinical significance of this alteration remains unclear.

Labcorp Genetics (formerly Invitae), Labcorp
Classification: Uncertain significance for Brugada syndrome. Last evaluated: 2022-08-09. Review status: criteria provided, single submitter. Criteria: Invitae Variant Classification Sherloc (09022015). Collection method: clinical testing. Allele origin: germline.
Comment: This sequence change replaces asparagine, which is neutral and polar, with serine, which is neutral and polar, at codon 187 of the GPD1L protein (p.Asn187Ser). This variant is present in population databases (no rsID available, gnomAD 0.002%). This variant has not been reported in the literature in individuals affected with GPD1L-related conditions. ClinVar contains an entry for this variant (Variation ID: 571418). Algorithms developed to predict the effect of missense changes on protein structure and function (SIFT, PolyPhen-2, Align-GVGD) all suggest that this variant is likely to be tolerated. In summary, the available evidence is currently insufficient to determine the role of this variant in disease. Therefore, it has been classified as a Variant of Uncertain Significance.

Centre for Mendelian Genomics, University Medical Centre Ljubljana
Classification: Uncertain significance for Brugada syndrome 2. Last evaluated: 2020-03-19. Review status: criteria provided, single submitter. Criteria: ACMG Guidelines, 2015. Collection method: clinical testing. Allele origin: unknown. Affected: yes.
Comment: This variant was classified as: Uncertain significance. The available evidence favors the pathogenic nature of this variant, however the currently available data is insufficient to conclusively support its pathogenic nature. Thus this variant is classified as Uncertain significance - favor pathogenic. The following ACMG criteria were applied in classifying this variant: PM2,PP4.

Stanford Center for Inherited Cardiovascular Disease, Stanford University
Classification: Uncertain significance. Last evaluated: 2018-02-06. Review status: criteria provided, single submitter. Criteria: ACMG Guidelines, 2015. Collection method: provider interpretation. Allele origin: germline.